The following is an entry in ClinVar:

NM_032776.3(JMJD1C):c.1392G>A (p.Ser464=)

Gene: JMJD1C (jumonji domain containing 1C; minus strand). Cytogenetic location: 10q21.3.
Variant type: single nucleotide variant.
Coding change: c.1392G>A on transcript NM_032776.3 (MANE Select); coding-DNA position 1392, G replaced by A.
Protein change: p.Ser464=; no amino-acid change (serine 464 retained).
Molecular consequence: synonymous variant. On other transcripts: non-coding transcript variant (1).
Genome position (GRCh38, 1-based): chr10:63,214,775, C>T on the plus strand (G>A on the coding strand, the complement: JMJD1C is on the minus strand). VCF-style: chr10-63214775-C-T. GRCh37 (hg19) VCF-style: chr10-64974535-C-T.
Other names: c.846G>A, p.Ser282= (NM_001282948.2, NM_001318154.2); c.528G>A, p.Ser176= (NM_001318153.2); c.1278G>A, p.Ser426= (NM_001322252.2); c.735G>A, p.Ser245= (NM_001322254.2, NM_001322258.2).
Identifiers: ClinVar variation 460217 (VCV000460217.36), dbSNP rs142118527, ClinGen allele CA5518812.

ClinVar aggregate classification (germline): Benign/Likely benign. Review status: criteria provided, multiple submitters, no conflicts (2 of 4 stars). 4 submissions from 4 submitters: Benign (2); Likely benign (1). 1 of the submissions does not count toward it. Last evaluated 2026-03-01.

Conditions:
JMJD1C-related disorder. Also called: JMJD1C-related condition.
Early Myoclonic Encephalopathy. Identifiers: MedGen C0270855.

Allele frequency attached by ClinVar (database versions not stated): 1000 Genomes Project 30x 0.00109; 1000 Genomes Project 0.00120; ExAC 0.00311; TOPMed 0.00318; gnomAD 0.00326 and 0.00327; ESP Exome Variant Server 0.00471.

Submissions (4):

CeGaT Center for Human Genetics Tuebingen
Classification: Likely benign. Last evaluated: 2026-03-01. Review status: criteria provided, single submitter. Criteria: CeGaT Center For Human Genetics Tuebingen Variant Classification Criteria Version 2. Collection method: clinical testing. Allele origin: germline. Affected: yes. Observed: 9 variant alleles.
Comment: JMJD1C: BP4, BP7, BS2

Labcorp Genetics (formerly Invitae), Labcorp
Classification: Benign for Early Myoclonic Encephalopathy. Last evaluated: 2026-01-28. Review status: criteria provided, single submitter. Criteria: Invitae Variant Classification Sherloc (09022015). Collection method: clinical testing. Allele origin: germline.

Breakthrough Genomics
Classification: Benign. Review status: criteria provided, single submitter. Criteria: ACMG Guidelines, 2015. Collection method: not provided. Allele origin: germline. Inheritance: Unknown mechanism. Affected: yes.

PreventionGenetics, part of Exact Sciences
Classification: Likely benign for JMJD1C-related condition. Last evaluated: 2019-08-07. Review status: no assertion criteria provided. Collection method: clinical testing. Allele origin: germline. Not counted in ClinVar's aggregate classification.
Comment: This variant is classified as likely benign based on ACMG/AMP sequence variant interpretation guidelines (Richards et al. 2015 PMID: 25741868, with internal and published modifications).